The following is an entry in ClinVar:

ClinVar aggregate classification (germline): Uncertain significance (1 of 4 stars; one submission).

Submission:

GeneDx
Classification: Uncertain significance. Last evaluated: 2024-10-01. Review status: criteria provided, single submitter. Criteria: GeneDx Variant Classification Process June 2021. Collection method: clinical testing. Allele origin: germline. Affected: yes.
Comment: Not observed at significant frequency in large population cohorts (gnomAD); In silico analysis indicates that this missense variant does not alter protein structure/function; Has not been previously published as pathogenic or benign to our knowledge

NM_031206.7(LAS1L):c.1178A>C (p.Asn393Thr)

Gene: LAS1L (LAS1 like ribosome biogenesis factor; minus strand). Cytogenetic location: Xq12.
Variant type: single nucleotide variant.
Coding change: c.1178A>C on transcript NM_031206.7 (MANE Select); coding-DNA position 1178, A replaced by C.
Protein change: p.Asn393Thr; replaces asparagine 393 with threonine.
Molecular consequence: missense variant. On other transcripts: non-coding transcript variant (1).
Genome position (GRCh38, 1-based): chrX:65,524,178, T>G on the plus strand (A>C on the coding strand, the complement: LAS1L is on the minus strand). VCF-style: chrX-65524178-T-G. GRCh37 (hg19) VCF-style: chrX-64744058-T-G.
Other names: c.1127A>C, p.Asn376Thr (NM_001170649.2, NM_001375331.1, NM_001375333.1 and 2 more transcripts); c.1001A>C, p.Asn334Thr (NM_001170650.2); c.1178A>C, p.Asn393Thr (NM_001375328.1, NM_001375329.1, NM_001375330.1 and 3 more transcripts); c.221A>C, p.Asn74Thr (NM_001375332.1); short protein forms N334T, N376T, N393T, N74T.
Identifiers: ClinVar variation 3776534 (VCV003776534.1).